The following is an entry in ClinVar:

ClinVar aggregate classification (germline): Uncertain significance. Review status: criteria provided, multiple submitters, no conflicts (2 of 4 stars). 2 submissions from 2 submitters: Uncertain significance (2). Last evaluated 2024-03-04.

Allele frequency attached by ClinVar (database versions not stated): gnomAD 0.00001; gnomAD exomes 0.00001; TOPMed 0.00002; ExAC 0.00003; 1000 Genomes Project 30x 0.00016; 1000 Genomes Project 0.00020.
gnomAD v4.1: 15 of 1,613,208 alleles (0.00093%); highest among the groups gnomAD compares: Admixed American, 0.013%; no homozygotes.

Submissions (2):

Labcorp Genetics (formerly Invitae), Labcorp
Classification: Uncertain significance. Last evaluated: 2024-03-04. Review status: criteria provided, single submitter. Criteria: Invitae Variant Classification Sherloc (09022015). Collection method: clinical testing. Allele origin: germline.
Comment: This sequence change replaces arginine, which is basic and polar, with cysteine, which is neutral and slightly polar, at codon 1100 of the ARHGEF18 protein (p.Arg1100Cys). This variant is present in population databases (rs139699006, gnomAD 0.01%). This variant has not been reported in the literature in individuals affected with ARHGEF18-related conditions. ClinVar contains an entry for this variant (Variation ID: 2062839). An algorithm developed to predict the effect of missense changes on protein structure and function (PolyPhen-2) suggests that this variant is likely to be disruptive. In summary, the available evidence is currently insufficient to determine the role of this variant in disease. Therefore, it has been classified as a Variant of Uncertain Significance.

Blueprint Genetics
Classification: Uncertain significance. Last evaluated: 2018-08-14. Review status: criteria provided, single submitter. Criteria: ACMG Guidelines, 2015. Collection method: clinical testing. Allele origin: germline.

NM_001367823.1(ARHGEF18):c.3862C>T (p.Arg1288Cys)

Gene: ARHGEF18 (Rho/Rac guanine nucleotide exchange factor 18; plus strand). Cytogenetic location: 19p13.2.
Variant type: single nucleotide variant.
Coding change: c.3862C>T on transcript NM_001367823.1 (MANE Select); coding-DNA position 3862, C replaced by T.
Protein change: p.Arg1288Cys; replaces arginine 1288 with cysteine.
Molecular consequence: missense variant.
Genome position (GRCh38, 1-based): chr19:7,469,978, C>T. VCF-style: chr19-7469978-C-T. GRCh37 (hg19) VCF-style: chr19-7534864-C-T.
Other names: c.3136C>T, p.Arg1046Cys (NM_001130955.2); c.2824C>T, p.Arg942Cys (NM_001367824.1, NM_015318.4); short protein forms R942C, R1046C, R1288C.
Identifiers: ClinVar variation 2062839 (VCV002062839.3), dbSNP rs139699006, ClinGen allele CA9137269.